The following is an entry in ClinVar:

NM_006208.3(ENPP1):c.*3511T>C

Gene: ENPP1 (ectonucleotide pyrophosphatase/phosphodiesterase 1; plus strand). Cytogenetic location: 6q23.2.
Variant type: single nucleotide variant.
Coding change: c.*3511T>C on transcript NM_006208.3 (MANE Select); 3511 bases downstream of the stop codon, T replaced by C.
Molecular consequence: 3 prime UTR variant.
Genome position (GRCh38, 1-based): chr6:131,894,022, T>C. VCF-style: chr6-131894022-T-C. GRCh37 (hg19) VCF-style: chr6-132215162-T-C.
Identifiers: ClinVar variation 355418 (VCV000355418.5), dbSNP rs9483350, ClinGen allele CA10625806.
Genomic context (GRCh38, chr6:131,894,022, plus strand): 5'-TTTTTTTTTTTTTTTTTTGAGATGCTCTGTCACCCAGGCTGGAGTGCAGTGGCAAGATCT[T>C]GGCTCACTGCAAGCTCCGCCTCCCAGGTTCACGCCATTCTCCTGGCTCAGCCTCCCGAGT-3'

ClinVar aggregate classification (germline): Benign. Review status: criteria provided, single submitter (1 of 4 stars). 2 submissions from 1 submitter: Benign (2). Last evaluated 2018-01-12.

Conditions:
Hypophosphatemic rickets, autosomal recessive, 2 (ARHR2). Identifiers: Orphanet 289176, MedGen C2750078, MONDO:0013219, OMIM 613312.
Arterial calcification, generalized, of infancy, 1 (GACI1). Also called: Idiopathic Infantile Arterial Calcification. Identifiers: Orphanet 51608, MedGen C4551985, MONDO:0008817, OMIM 208000.

Allele frequency attached by ClinVar (database versions not stated): gnomAD 0.16227 and 0.16375; TOPMed 0.17870; 1000 Genomes Project 0.20927; 1000 Genomes Project 30x 0.21690.

Submissions (2):

Illumina Laboratory Services, Illumina
Classification: Benign for Hypophosphatemic rickets, autosomal recessive, 2. Last evaluated: 2018-01-12. Review status: criteria provided, single submitter. Criteria: ICSL Variant Classification Criteria 13 December 2019. Collection method: clinical testing. Allele origin: germline.
Comment: This variant was observed in the ICSL laboratory as part of a predisposition screen in an ostensibly healthy population. It had not been previously curated by ICSL or reported in the Human Gene Mutation Database (HGMD: prior to June 1st, 2018), and was therefore a candidate for classification through an automated scoring system. Utilizing variant allele frequency, disease prevalence and penetrance estimates, and inheritance mode, an automated score was calculated to assess if this variant is too frequent to cause the disease. Based on the score and internal cut-off values, a variant classified as benign is not then subjected to further curation. The score for this variant resulted in a classification of benign for this disease.

Illumina Laboratory Services, Illumina
Classification: Benign for Arterial calcification, generalized, of infancy, 1. Last evaluated: 2018-01-12. Review status: criteria provided, single submitter. Criteria: ICSL Variant Classification Criteria 13 December 2019. Collection method: clinical testing. Allele origin: germline.
Comment: the same text as in the submission from Illumina Laboratory Services, Illumina above.